The following is an entry in ClinVar:

ClinVar aggregate classification (germline): Pathogenic/Likely pathogenic. Review status: criteria provided, multiple submitters, no conflicts (2 of 4 stars). 2 submissions from 2 submitters: Pathogenic (1); Likely pathogenic (1). Last evaluated 2024-03-30.

Conditions:
Leukoencephalopathy with vanishing white matter 2 (VWM2). Also called: EIF2B2-Related Childhood Ataxia with Central Nervous System Hypomyelination/Vanishing White Matter; Leukoencephalopathy with vanishing white matter 2, with or without ovarian failure. Identifiers: MedGen C5830404, MONDO:0957870, OMIM 620312.

Allele frequency attached by ClinVar (database versions not stated): ExAC 0.00001; TOPMed 0.00001; gnomAD exomes 0.00002.

Submissions (2):

Fulgent Genetics
Classification: Likely pathogenic for Leukoencephalopathy with vanishing white matter 2. Last evaluated: 2024-03-30. Review status: criteria provided, single submitter. Criteria: ACMG Guidelines, 2015. Collection method: clinical testing. Allele origin: germline.

GeneDx
Classification: Pathogenic. Last evaluated: 2017-01-30. Review status: criteria provided, single submitter. Criteria: GeneDx Variant Classification (06012015). Collection method: clinical testing. Allele origin: germline. Affected: yes.
Comment: The c.3G>T pathogenic variant in the EIF2B2 gene has not been reported previously as a pathogenic variant nor as a benign variant, to our knowledge. As this pathogenic variant changes the translation initiator Methionine codon, the resultant protein is described as p.Met1?, using a question mark to signify that it is not known if the loss of Met1 means that all protein translation is completely prevented or if an abnormal protein is produced using an alternate Methionine. The c.3G>T variant was not observed in approximately 6,500 individuals of European and African American ancestry in the NHLBI Exome Sequencing Project, indicating it is not a common benign variant in these populations. We interpret c.3G>T as a pathogenic variant.

NM_014239.4(EIF2B2):c.3G>T (p.Met1Ile)

Gene: EIF2B2 (eukaryotic translation initiation factor 2B subunit beta; plus strand). Cytogenetic location: 14q24.3.
Variant type: single nucleotide variant.
Coding change: c.3G>T on transcript NM_014239.4 (MANE Select); coding-DNA position 3, G replaced by T.
Protein change: p.Met1Ile; changes the start codon (methionine 1).
Molecular consequence: missense variant, initiator codon variant.
Genome position (GRCh38, 1-based): chr14:75,002,993, G>T. VCF-style: chr14-75002993-G-T. GRCh37 (hg19) VCF-style: chr14-75469696-G-T.
Other names: short protein forms M1I.
Identifiers: ClinVar variation 280422 (VCV000280422.4), dbSNP rs767933078, ClinGen allele CA7274754.
Genomic context (GRCh38, chr14:75,002,993, plus strand): 5'-TGTGTGGTCTGGCAGGTGTGGATTCCGCCGGTGAAGGCTGAAGGCAGCTACCTTAAAGAT[G>T]CCGGGATCCGCAGCGAAGGGCTCGGAGTTGTCAGAGAGGATCGAGAGCTTCGTGGAGACC-3'
Protein context (NP_055054.1, residues 1-11): [Met1Ile]PGSAAKGSEL